The following is an entry in ClinVar:

NM_001355436.2(SPTB):c.2510C>T (p.Ala837Val)

Gene: SPTB (spectrin beta, erythrocytic; minus strand). Cytogenetic location: 14q23.3.
Variant type: single nucleotide variant.
Coding change: c.2510C>T on transcript NM_001355436.2 (MANE Select); coding-DNA position 2510, C replaced by T.
Protein change: p.Ala837Val; replaces alanine 837 with valine.
Molecular consequence: missense variant.
Genome position (GRCh38, 1-based): chr14:64,793,153, G>A on the plus strand (C>T on the coding strand, the complement: SPTB is on the minus strand). VCF-style: chr14-64793153-G-A. GRCh37 (hg19) VCF-style: chr14-65259871-G-A.
Other names: NM_000347.5:c.2510C>T; c.2510C>T, p.Ala837Val (NM_001024858.4, NM_001355437.2); short protein forms A837V.
Identifiers: ClinVar variation 2225135 (VCV002225135.5), dbSNP rs139325158, ClinGen allele CA7230852.

ClinVar aggregate classification (germline): Uncertain significance. Review status: criteria provided, multiple submitters, no conflicts (2 of 4 stars). 3 submissions from 3 submitters: Uncertain significance (3). Last evaluated 2025-05-02.

Conditions:
Inborn genetic diseases. Identifiers: MedGen C0950123, MeSH D030342.

Allele frequency attached by ClinVar (database versions not stated): ESP Exome Variant Server 0.00008; TOPMed 0.00009; gnomAD 0.00010.
gnomAD v4.1: 36 of 1,613,888 alleles (0.0022%); highest among the groups gnomAD compares: African/African-American, 0.033%; no homozygotes.

Submissions (3):

Labcorp Genetics (formerly Invitae), Labcorp
Classification: Uncertain significance. Last evaluated: 2025-05-02. Review status: criteria provided, single submitter. Criteria: Invitae Variant Classification Sherloc (09022015). Collection method: clinical testing. Allele origin: germline.
Comment: This sequence change replaces alanine, which is neutral and non-polar, with valine, which is neutral and non-polar, at codon 837 of the SPTB protein (p.Ala837Val). This variant is present in population databases (rs139325158, gnomAD 0.04%). This variant has not been reported in the literature in individuals affected with SPTB-related conditions. ClinVar contains an entry for this variant (Variation ID: 2225135). An algorithm developed to predict the effect of missense changes on protein structure and function (PolyPhen-2) suggests that this variant is likely to be disruptive. In summary, the available evidence is currently insufficient to determine the role of this variant in disease. Therefore, it has been classified as a Variant of Uncertain Significance.

Blueprint Genetics
Classification: Uncertain significance. Last evaluated: 2023-09-14. Review status: criteria provided, single submitter. Criteria: ACMG Guidelines, 2015. Collection method: clinical testing. Allele origin: germline.

Ambry Genetics
Classification: Uncertain significance for Inborn genetic diseases. Last evaluated: 2022-12-01. Review status: criteria provided, single submitter. Criteria: Ambry Variant Classification Scheme 2023. Collection method: clinical testing. Allele origin: germline.